The following is an entry in ClinVar:

ClinVar aggregate classification (germline): Pathogenic (1 of 4 stars; one submission).

Conditions:
Creatine transporter deficiency (CCDS1). Also called: Creatine Transporter (CRTR) Deficiency; Mental retardation , X-linked with seizures, short stature and midface hypoplasia; Mental retardation , X-linked, with creatine transport deficiency; X-linked creatine transporter deficiency; X-linked creatine deficiency syndrome; SLC6A8-Related Creatine Transporter Deficiency. Identifiers: Orphanet 52503, MedGen C1845862, MONDO:0010305, OMIM 300352.

Submission:

Labcorp Genetics (formerly Invitae), Labcorp
Classification: Pathogenic for Creatine transporter deficiency. Last evaluated: 2019-04-30. Review status: criteria provided, single submitter. Criteria: Invitae Variant Classification Sherloc (09022015). Collection method: clinical testing. Allele origin: germline.
Comment: This sequence change creates a premature translational stop signal (p.Val141Aspfs*49) in the SLC6A8 gene. It is expected to result in an absent or disrupted protein product. This variant is not present in population databases (ExAC no frequency). This variant has not been reported in the literature in individuals with SLC6A8-related conditions. Loss-of-function variants in SLC6A8 are known to be pathogenic (PMID: 22281021). For these reasons, this variant has been classified as Pathogenic.

Literature cited by the submitters: PubMed 22281021.

NM_005629.4(SLC6A8):c.418_421dup (p.Val141fs)

Gene: SLC6A8 (solute carrier family 6 member 8; plus strand). Cytogenetic location: Xq28.
Variant type: Duplication.
Coding change: c.418_421dup on transcript NM_005629.4 (MANE Select); coding-DNA positions 418 to 421, 4 bases duplicated (ATCG; older notation c.418_421dupATCG).
Protein change: p.Val141fs; shifts the reading frame from valine 141.
Molecular consequence: frameshift variant.
Genome position (GRCh38, 1-based): chrX:153,691,327-153,691,330, ATCG duplicated; duplicating any 4 consecutive bases within chrX:153,691,326-153,691,330 gives the same sequence; the c. name uses the placement nearest the transcript's 3' end. VCF-style (leftmost placement, unchanged base first): chrX-153691325-T-TGATC. GRCh37 (hg19) VCF-style: chrX-152956780-T-TGATC.
Other names: c.418_421dup, p.Val141fs (NM_001142805.2); c.73_76dup, p.Val26fs (NM_001142806.1); short protein forms V141fs, V26fs.
Identifiers: ClinVar variation 944247 (VCV000944247.3), dbSNP rs2091455005, ClinGen allele CA1139667840.